The following is an entry in ClinVar:

ClinVar aggregate classification (germline): Uncertain significance (1 of 4 stars; one submission).

Submission:

Ambry Genetics
Classification: Uncertain significance. Last evaluated: 2023-02-01. Review status: criteria provided, single submitter. Criteria: Ambry Variant Classification Scheme 2023. Collection method: clinical testing. Allele origin: germline.
Comment: The c.3811+5G>A intronic variant results from a G to A substitution 5 nucleotides after coding exon 34 in the KIF1B gene. This nucleotide position is highly conserved in available vertebrate species. In silico splice site analysis predicts that this alteration will weaken the native splice donor site. The evidence for this gene-disease relationship is limited; therefore, the clinical significance of this alteration is unclear.

NM_001365951.3(KIF1B):c.3949+5G>A

Gene: KIF1B (kinesin family member 1B; plus strand). Cytogenetic location: 1p36.22.
Variant type: single nucleotide variant.
Coding change: c.3949+5G>A on transcript NM_001365951.3 (MANE Select); 5 bases into the intron after coding-DNA position 3949, G replaced by A.
Molecular consequence: intron variant.
Genome position (GRCh38, 1-based): chr1:10,348,738, G>A. VCF-style: chr1-10348738-G-A. GRCh37 (hg19) VCF-style: chr1-10408796-G-A.
Other names: c.3811+5G>A (NM_015074.3); c.3949+5G>A (NM_001365952.1).
Identifiers: ClinVar variation 2448752 (VCV002448752.2), dbSNP rs1403166374, ClinGen allele CA521151766.